The following is an entry in ClinVar:

ClinVar aggregate classification (germline): Conflicting classifications of pathogenicity. Review status: criteria provided, conflicting classifications (1 of 4 stars). 8 submissions from 8 submitters: Likely pathogenic (3); Uncertain significance (2). 3 of the submissions do not count toward it. Last evaluated 2026-03-11.

Conditions:
Neuronal ceroid lipofuscinosis. Also called: Neuronal Ceroid Lipofuscinoses. Identifiers: Orphanet 216, Orphanet 79263, MedGen C0027877, MONDO:0016295. Disease mechanism: loss of function.
Neuronal ceroid lipofuscinosis 8 (CLN8). Also called: CLN8-Related Neuronal Ceroid-Lipofuscinosis. Identifiers: Orphanet 168491, Orphanet 228354, Orphanet 79264, MedGen C1838570, MONDO:0010830, OMIM 600143.

Allele frequency attached by ClinVar (database versions not stated): TOPMed 0.00001; ExAC 0.00002; gnomAD exomes 0.00002; gnomAD 0.00003; ESP Exome Variant Server 0.00008.
gnomAD v4.1: 31 of 1,614,022 alleles (0.0019%); highest among the groups gnomAD compares: Non-Finnish European, 0.0025%; no homozygotes.

Submissions (8):

Myriad Genetics, Inc.
Classification: Uncertain significance for Neuronal ceroid lipofuscinosis. Last evaluated: 2026-03-11. Review status: criteria provided, single submitter. Criteria: Myriad Autosomal Dominant, Autosomal Recessive and X-Linked Classification Criteria (2023). Collection method: clinical testing. Allele origin: unknown.
Comment: NM_018941.3(CLN8):c.470A>G(H157R) is a missense variant classified as a variant of uncertain significance in the context of CLN8-related neuronal ceroid lipofuscinosis. H157R has been observed in cases with relevant disease (PMID: 21990111, 29915382). Relevant functional assessments of this variant are available in the literature (PMID: 30397314). H157R has been observed in referenced population frequency databases. In summary, there is insufficient evidence to classify NM_018941.3(CLN8):c.470A>G(H157R) as pathogenic or benign. Please note: this variant was assessed in the context of healthy population screening.

Natera, Inc.
Classification: Likely pathogenic for Neuronal ceroid lipofuscinosis 8. Last evaluated: 2025-09-19. Review status: criteria provided, single submitter. Criteria: Natera Variant Classification Schema (03/2026). Collection method: clinical testing. Allele origin: germline.
Comment: The c.470A>G variant in CLN8 is a missense variant predicted to cause substitution of histidine to arginine at amino acid 157. This variant is rare in the general population with a frequency below the threshold expected for the associated phenotype(s). This variant has been observed in one or more individuals affected with the associated recessive disease, as either homozygous or compound heterozygous with a second variant (PMID: 19807737). Functional studies show that this variant may disrupt protein function (PMID: 30397314). Computational prediction algorithms indicate this variant is likely to affect gene or protein function. Given the available evidence, this variant is classified as Likely Pathogenic.

Women's Health and Genetics/Laboratory Corporation of America, LabCorp
Classification: Likely pathogenic for Neuronal ceroid lipofuscinosis. Last evaluated: 2024-07-05. Review status: criteria provided, single submitter. Criteria: LabCorp Variant Classification Summary - May 2015. Collection method: clinical testing. Allele origin: germline.
Comment: Variant summary: CLN8 c.470A>G (p.His157Arg) results in a non-conservative amino acid change located in the TRAM/LAG1/CLN8 homology domain (IPR006634) of the encoded protein sequence. Five of five in-silico tools predict a damaging effect of the variant on protein function. The variant allele was found at a frequency of 1.6e-05 in 251458 control chromosomes. c.470A>G has been reported in the literature in one heterozygous individual affected with Cerebellar Atrophy (Sun_2019), and in one homozygous individual affected with Neuronal Ceroid-Lipofuscinosis (e.g. Kousi_2009, Reinhardt_2010). These data indicate that the variant may be associated with disease. Functional evaluation of the variant protein showed that there was signficantly reduced interaction with lysosomal proteins, with the most pronounced variant effect resulting in <10% of normal activity (di Ronza_2018). The following publications have been ascertained in the context of this evaluation (PMID: 29915382, 19201763, 19807737, 30397314). ClinVar contains an entry for this variant (Variation ID: 210736). Based on the evidence outlined above, the variant was classified as likely pathogenic.

Labcorp Genetics (formerly Invitae), Labcorp
Classification: Uncertain significance for Neuronal ceroid lipofuscinosis. Last evaluated: 2022-03-09. Review status: criteria provided, single submitter. Criteria: Invitae Variant Classification Sherloc (09022015). Collection method: clinical testing. Allele origin: germline.
Comment: This sequence change replaces histidine, which is basic and polar, with arginine, which is basic and polar, at codon 157 of the CLN8 protein (p.His157Arg). This variant is present in population databases (rs149308952, gnomAD 0.003%). This missense change has been observed in individual(s) with clinical features of CLN8-related conditions (PMID: 19807737, 29915382). ClinVar contains an entry for this variant (Variation ID: 210736). Advanced modeling of protein sequence and biophysical properties (such as structural, functional, and spatial information, amino acid conservation, physicochemical variation, residue mobility, and thermodynamic stability) performed at Invitae indicates that this missense variant is expected to disrupt CLN8 protein function. In summary, the available evidence is currently insufficient to determine the role of this variant in disease. Therefore, it has been classified as a Variant of Uncertain Significance.

Genetic Services Laboratory, University of Chicago
Classification: Likely pathogenic for Ceroid lipofuscinosis, neuronal, 8. Last evaluated: 2015-06-22. Review status: criteria provided, single submitter. Criteria: ACMG Guidelines, 2015. Collection method: clinical testing. Allele origin: germline. Affected: yes.

Counsyl
Classification: Uncertain significance for Neuronal ceroid lipofuscinosis 8. Last evaluated: 2016-07-21. Review status: no assertion criteria provided. Collection method: clinical testing. Allele origin: unknown. Not counted in ClinVar's aggregate classification.

Genome Diagnostics Laboratory, Amsterdam University Medical Center
Classification: Likely pathogenic. Review status: no assertion criteria provided. Collection method: clinical testing. Allele origin: germline. Affected: yes. Study: VKGL Data-share Consensus. Not counted in ClinVar's aggregate classification.

Genome Diagnostics Laboratory, University Medical Center Utrecht
Classification: Pathogenic. Review status: no assertion criteria provided. Collection method: clinical testing. Allele origin: germline. Affected: yes. Study: VKGL Data-share Consensus. Not counted in ClinVar's aggregate classification.

Literature cited by the submitters: PubMed 21990111 (cited by Myriad Genetics, Inc.); PubMed 29915382 (cited by 3 submitters); PubMed 30397314 (cited by 3 submitters); PubMed 19807737 (cited by 3 submitters); PubMed 19201763 (cited by Women's Health and Genetics/Laboratory Corporation of America, LabCorp and Counsyl).

NM_018941.4(CLN8):c.470A>G (p.His157Arg)

Gene: CLN8 (CLN8 transmembrane ER and ERGIC protein; plus strand). Cytogenetic location: 8p23.3.
Variant type: single nucleotide variant.
Coding change: c.470A>G on transcript NM_018941.4 (MANE Select); coding-DNA position 470, A replaced by G.
Protein change: p.His157Arg; replaces histidine 157 with arginine.
Molecular consequence: missense variant.
Genome position (GRCh38, 1-based): chr8:1,771,524, A>G. VCF-style: chr8-1771524-A-G. GRCh37 (hg19) VCF-style: chr8-1719690-A-G.
Other names: short protein forms H157R.
Identifiers: ClinVar variation 210736 (VCV000210736.16), dbSNP rs149308952, ClinGen allele CA277008.
Genomic context (GRCh38, chr8:1,771,524, plus strand): 5'-TCCACCATCTCTTTGCCTTTCTTGGGTTTCTTGGCTGCTTGGTCAATCTCCAAGCTGGCC[A>G]CTATCTAGCTATGACCACGTTGCTCCTGGAGATGAGCACGCCCTTTACCTGCGTTTCCTG-3'
Protein context (NP_061764.2, residues 147-167): LGCLVNLQAG[His157Arg]YLAMTTLLLE